The following is an entry in ClinVar:

ClinVar aggregate classification (germline): Uncertain significance (1 of 4 stars; one submission).

Conditions:
Achondrogenesis, type IA (ACG1A). Identifiers: Orphanet 932, Orphanet 93299, MedGen C0265273, MONDO:0008701, OMIM 200600.

Allele frequency attached by ClinVar (database versions not stated): gnomAD exomes below 0.00001.
gnomAD v4.1: 4 of 1,614,212 alleles (0.00025%); highest among the groups gnomAD compares: Non-Finnish European, 0.00034%; no homozygotes.

Submission:

Labcorp Genetics (formerly Invitae), Labcorp
Classification: Uncertain significance for Achondrogenesis, type IA. Last evaluated: 2023-04-07. Review status: criteria provided, single submitter. Criteria: Invitae Variant Classification Sherloc (09022015). Collection method: clinical testing. Allele origin: germline.
Comment: In summary, the available evidence is currently insufficient to determine the role of this variant in disease. Therefore, it has been classified as a Variant of Uncertain Significance. This sequence change replaces glutamic acid, which is acidic and polar, with aspartic acid, which is acidic and polar, at codon 1464 of the TRIP11 protein (p.Glu1464Asp). This variant is not present in population databases (gnomAD no frequency). This variant has not been reported in the literature in individuals affected with TRIP11-related conditions. Advanced modeling of protein sequence and biophysical properties (such as structural, functional, and spatial information, amino acid conservation, physicochemical variation, residue mobility, and thermodynamic stability) performed at Invitae indicates that this missense variant is not expected to disrupt TRIP11 protein function.

NM_004239.4(TRIP11):c.4392A>T (p.Glu1464Asp)

Gene: TRIP11 (thyroid hormone receptor interactor 11; minus strand). Cytogenetic location: 14q32.12.
Variant type: single nucleotide variant.
Coding change: c.4392A>T on transcript NM_004239.4 (MANE Select); coding-DNA position 4392, A replaced by T.
Protein change: p.Glu1464Asp; replaces glutamic acid 1464 with aspartic acid.
Molecular consequence: missense variant.
Genome position (GRCh38, 1-based): chr14:92,003,584, T>A on the plus strand (A>T on the coding strand, the complement: TRIP11 is on the minus strand). VCF-style: chr14-92003584-T-A. GRCh37 (hg19) VCF-style: chr14-92469928-T-A.
Other names: c.4389A>T, p.Glu1463Asp (NM_001321851.1); short protein forms E1463D, E1464D.
Identifiers: ClinVar variation 3017280 (VCV003017280.3), dbSNP rs2543024116, ClinGen allele CA390649612.